The following is an entry in ClinVar:

NM_000387.6(SLC25A20):c.394G>T (p.Glu132Ter)

Gene: SLC25A20 (solute carrier family 25 member 20; minus strand). Cytogenetic location: 3p21.31.
Variant type: single nucleotide variant.
Coding change: c.394G>T on transcript NM_000387.6 (MANE Select); coding-DNA position 394, G replaced by T.
Protein change: p.Glu132Ter; replaces glutamic acid 132 with a stop codon.
Molecular consequence: nonsense.
Genome position (GRCh38, 1-based): chr3:48,879,381, C>A on the plus strand (G>T on the coding strand, the complement: SLC25A20 is on the minus strand). VCF-style: chr3-48879381-C-A. GRCh37 (hg19) VCF-style: chr3-48916814-C-A.
Other names: short protein forms E132*.
Identifiers: ClinVar variation 2781289 (VCV002781289.3), dbSNP rs769748915, ClinGen allele CA73992035.

ClinVar aggregate classification (germline): Pathogenic (1 of 4 stars; one submission).

Conditions:
Carnitine acylcarnitine translocase deficiency (CACTD). Identifiers: Orphanet 159, MedGen C0342791, MONDO:0008918, OMIM 212138.

Allele frequency attached by ClinVar (database versions not stated): TOPMed below 0.00001.

Submission:

Labcorp Genetics (formerly Invitae), Labcorp
Classification: Pathogenic for Carnitine acylcarnitine translocase deficiency. Last evaluated: 2023-11-06. Review status: criteria provided, single submitter. Criteria: Invitae Variant Classification Sherloc (09022015). Collection method: clinical testing. Allele origin: germline.
Comment: This sequence change creates a premature translational stop signal (p.Glu132*) in the SLC25A20 gene. It is expected to result in an absent or disrupted protein product. Loss-of-function variants in SLC25A20 are known to be pathogenic (PMID: 25614308). This variant is not present in population databases (gnomAD no frequency). This variant has not been reported in the literature in individuals affected with SLC25A20-related conditions. For these reasons, this variant has been classified as Pathogenic.

Literature cited by the submitters: PubMed 25614308.